The following is an entry in ClinVar:

ClinVar aggregate classification (germline): Uncertain significance (1 of 4 stars; one submission).

Submission:

GeneDx
Classification: Uncertain significance. Last evaluated: 2024-05-19. Review status: criteria provided, single submitter. Criteria: GeneDx Variant Classification Process June 2021. Collection method: clinical testing. Allele origin: germline. Affected: yes.
Comment: Not observed at significant frequency in large population cohorts (gnomAD); In silico analysis supports that this missense variant has a deleterious effect on protein structure/function; Has not been previously published as pathogenic or benign to our knowledge

NM_004380.3(CREBBP):c.3859G>T (p.Gly1287Cys)

Gene: CREBBP (CREB binding protein; minus strand). Cytogenetic location: 16p13.3.
Variant type: single nucleotide variant.
Coding change: c.3859G>T on transcript NM_004380.3 (MANE Select); coding-DNA position 3859, G replaced by T.
Protein change: p.Gly1287Cys; replaces glycine 1287 with cysteine.
Molecular consequence: missense variant.
Genome position (GRCh38, 1-based): chr16:3,745,332, C>A on the plus strand (G>T on the coding strand, the complement: CREBBP is on the minus strand). VCF-style: chr16-3745332-C-A. GRCh37 (hg19) VCF-style: chr16-3795333-C-A.
Other names: c.3745G>T, p.Gly1249Cys (NM_001079846.1); short protein forms G1249C, G1287C.
Identifiers: ClinVar variation 3381546 (VCV003381546.1).